The following is an entry in ClinVar:

NM_020822.3(KCNT1):c.1306G>C (p.Ala436Pro)

Gene: KCNT1 (potassium sodium-activated channel subfamily T member 1; plus strand). Cytogenetic location: 9q34.3.
Variant type: single nucleotide variant.
Coding change: c.1306G>C on transcript NM_020822.3 (MANE Select); coding-DNA position 1306, G replaced by C.
Protein change: p.Ala436Pro; replaces alanine 436 with proline.
Molecular consequence: missense variant.
Genome position (GRCh38, 1-based): chr9:135,765,729, G>C. VCF-style: chr9-135765729-G-C. GRCh37 (hg19) VCF-style: chr9-138657575-G-C.
Other names: c.1171G>C, p.Ala391Pro (NM_001272003.2); short protein forms A391P, A436P.
Identifiers: ClinVar variation 1303687 (VCV001303687.2), dbSNP rs1832220041, ClinGen allele CA375501698.

ClinVar aggregate classification (germline): Uncertain significance (1 of 4 stars; one submission).

Submission:

GeneDx
Classification: Uncertain significance. Last evaluated: 2019-11-12. Review status: criteria provided, single submitter. Criteria: GeneDx Variant Classification Process June 2021. Collection method: clinical testing. Allele origin: germline. Affected: yes.
Comment: Not observed in large population cohorts (Lek et al., 2016); In silico analysis, which includes protein predictors and evolutionary conservation, supports a deleterious effect; Has not been previously published as pathogenic or benign to our knowledge